The following is an entry in ClinVar:

ClinVar aggregate classification (germline): Uncertain significance. Review status: criteria provided, multiple submitters, no conflicts (2 of 4 stars). 2 submissions from 2 submitters: Uncertain significance (2). Last evaluated 2023-11-30.

Conditions:
Marfan syndrome (MFS). Also called: MARFAN SYNDROME, TYPE I; Marfan syndrome type 1; Marfan's syndrome; Marfan syndrome, classic; FBN1-Related Marfan Syndrome. Identifiers: Orphanet 284963, Orphanet 558, MedGen C0024796, MONDO:0007947, OMIM 154700.
Familial thoracic aortic aneurysm and aortic dissection (TAAD). Also called: Thoracic aortic aneurysms and dissections. Identifiers: Orphanet 91387, MedGen C4707243, MONDO:0019625.

Allele frequency attached by ClinVar (database versions not stated): gnomAD exomes below 0.00001.
gnomAD v4.1: 1 of 1,611,086 alleles (0.000062%); highest among the groups gnomAD compares: Non-Finnish European, 0.000085%; no homozygotes.

Submissions (2):

All of Us Research Program, National Institutes of Health
Classification: Uncertain significance for Marfan syndrome. Last evaluated: 2023-11-30. Review status: criteria provided, single submitter. Criteria: ACMG Guidelines, 2015. Collection method: clinical testing. Allele origin: germline. Inheritance: Autosomal dominant inheritance. Observed: 1 variant allele, 1 heterozygote.
Comment: This study involves interpretation of variants in research participants for the purpose of population health screening. Participant phenotype was not available at the time of variant classification. Additional details can be found in publication PMID: 35346344, PMCID: PMC8962531

Labcorp Genetics (formerly Invitae), Labcorp
Classification: Uncertain significance for Marfan syndrome; Familial thoracic aortic aneurysm and aortic dissection. Last evaluated: 2023-07-10. Review status: criteria provided, single submitter. Criteria: Invitae Variant Classification Sherloc (09022015). Collection method: clinical testing. Allele origin: germline.
Comment: This variant is not present in population databases (gnomAD no frequency). This variant has not been reported in the literature in individuals affected with FBN1-related conditions. Advanced modeling of protein sequence and biophysical properties (such as structural, functional, and spatial information, amino acid conservation, physicochemical variation, residue mobility, and thermodynamic stability) performed at Invitae indicates that this missense variant is not expected to disrupt FBN1 protein function. In summary, the available evidence is currently insufficient to determine the role of this variant in disease. Therefore, it has been classified as a Variant of Uncertain Significance. This sequence change replaces histidine, which is basic and polar, with glutamine, which is neutral and polar, at codon 144 of the FBN1 protein (p.His144Gln).

NM_000138.5(FBN1):c.432C>A (p.His144Gln)

Gene: FBN1 (fibrillin 1; minus strand). Cytogenetic location: 15q21.1.
Variant type: single nucleotide variant.
Coding change: c.432C>A on transcript NM_000138.5 (MANE Select); coding-DNA position 432, C replaced by A.
Protein change: p.His144Gln; replaces histidine 144 with glutamine.
Molecular consequence: missense variant.
Genome position (GRCh38, 1-based): chr15:48,600,149, G>T on the plus strand (C>A on the coding strand, the complement: FBN1 is on the minus strand). VCF-style: chr15-48600149-G-T. GRCh37 (hg19) VCF-style: chr15-48892346-G-T.
Other names: c.432C>A, p.His144Gln (NM_001406716.1, NM_001406717.1); short protein forms H144Q.
Identifiers: ClinVar variation 2939989 (VCV002939989.4), dbSNP rs2505760942, ClinGen allele CA392446453.
Genomic context (GRCh38, chr15:48,600,149, plus strand): 5'-GTCTACAAACAGGTTAACATCTAGAATACTTATAACTACAGTGTACTTACGTTGTCCACA[G>T]TGAGTCCCTATGTATCCTTTCTGGCATAGACAGTGATCGTCACTGCAGCTACCTCCATTC-3'
Protein context (NP_000129.3, residues 134-154): CLCQKGYIGT[His144Gln]CGQPVCESGC